The following is an entry in ClinVar:

NM_001130987.2(DYSF):c.5743G>A (p.Asp1915Asn)

Gene: DYSF (dysferlin; plus strand). Cytogenetic location: 2p13.2.
Variant type: single nucleotide variant.
Coding change: c.5743G>A on transcript NM_001130987.2 (MANE Select); coding-DNA position 5743, G replaced by A.
Protein change: p.Asp1915Asn; replaces aspartic acid 1915 with asparagine.
Molecular consequence: missense variant.
Genome position (GRCh38, 1-based): chr2:71,669,705, G>A. VCF-style: chr2-71669705-G-A. GRCh37 (hg19) VCF-style: chr2-71896835-G-A.
Other names: NM_001130987.2(DYSF):c.5743G>A; p.Asp1915Asn; c.5629G>A, p.Asp1877Asn (NM_001130455.2); c.5584G>A, p.Asp1862Asn (NM_001130976.2); c.5647G>A, p.Asp1883Asn (NM_001130977.2); c.5689G>A, p.Asp1897Asn (NM_001130978.2); c.5719G>A, p.Asp1907Asn (NM_001130979.2); c.5677G>A, p.Asp1893Asn (NM_001130980.2); and 7 more; short protein forms D1876N, D1897N, D1915N, D1862N, D1863N, D1883N, D1893N, D1877N.
Identifiers: ClinVar variation 94341 (VCV000094341.66), dbSNP rs115013641, ClinGen allele CA222191.

ClinVar aggregate classification (germline): Benign. Review status: reviewed by expert panel (3 of 4 stars). 15 submissions from 15 submitters: Benign (1). 14 of the submissions do not count toward it. Last evaluated 2025-10-30.

Conditions:
Miyoshi muscular dystrophy 1 (MMD1). Identifiers: Orphanet 45448, MedGen C4551973, MONDO:0024545, OMIM 254130.
Autosomal recessive limb-girdle muscular dystrophy type 2B (LGMDR2). Also called: MUSCULAR DYSTROPHY, LIMB-GIRDLE, TYPE 3; Limb-Girdle Muscular Dystrophy Type 2B (LGMD2B); MUSCULAR DYSTROPHY, LIMB-GIRDLE, AUTOSOMAL RECESSIVE 2; Limb-girdle muscular dystrophy, type 2B. Identifiers: Orphanet 268, MedGen C1850889, MONDO:0009676, OMIM 253601.
Distal myopathy with anterior tibial onset. Identifiers: Orphanet 178400, MedGen C1847532, MONDO:0011721, OMIM 606768.
Miyoshi myopathy. Also called: Miyoshi muscular dystrophy; Miyoshi Muscular Dystrophy (Miyoshi Myopathy). Identifiers: Orphanet 45448, MedGen C5553104, MONDO:0009685.
Autosomal recessive limb-girdle muscular dystrophy. Identifiers: Orphanet 102015, MedGen C2931907, MONDO:0015152.
Neuromuscular disease caused by qualitative or quantitative defects of dysferlin. Also called: Qualitative or quantitative defects of dysferlin; Dysferlinopathy. Identifiers: Orphanet 207073, MedGen C2931687, MONDO:0016145.

Allele frequency attached by ClinVar (database versions not stated): gnomAD 0.00257 and 0.00256; 1000 Genomes Project 0.00300; 1000 Genomes Project 30x 0.00281; TOPMed 0.00306; gnomAD exomes 0.00396 and 0.00352; ESP Exome Variant Server 0.00277; ExAC 0.00390.
gnomAD v4.1: 5,604 of 1,614,120 alleles (0.35%); highest among the groups gnomAD compares: South Asian, 0.84%; 33 homozygotes.

Submissions (15):

ClinGen Limb Girdle Muscular Dystrophy Variant Curation Expert Panel, ClinGen
Classification: Benign for Autosomal recessive limb-girdle muscular dystrophy. Last evaluated: 2025-10-30. Review status: reviewed by expert panel. Criteria: ClinGen LGMD VCEP ACMG Specifications DYSF V2.0.0. Collection method: curation. Allele origin: germline. Inheritance: Autosomal recessive inheritance.
Comment: The NM_003494.4: c.5626G>A variant in DYSF, which is also known as NM_001130987.2: c.5743G>A p.(Asp1915Asn), is a missense variant predicted to cause substitution of aspartic acid by asparagine at amino acid 1876, p.(Asp1876Asn). The filtering allele frequency of the variant is 0.007927 for South Asian chromosomes in gnomAD v4.1.0 (the lower threshold of the 95% CI of 767/91080), which is higher than the VCEP threshold of 0.003 (BA1). The c.5626G>A p.(Asp1876Asn) variant has been detected in a homozygous state in two individuals with LGMD or Miyoshi myopathy (PMID: 21522182, 29970176). One of these individuals was also homozygous for a pathogenic variant (NM_003494.4: c.5181delA p.(Glu1727AspfsTer7)), indicating the two variants were on the same chromosome (PMID: 29970176). Given there are 27 homozygotes in gnomAD v4.1.0, PM3 not met. The SpliceAI score for this variant is 0.02, suggesting it does not impact splicing. The computational predictor REVEL gives a score of 0.38, which is above the LGMD VCEP threshold predicting a benign impact on DYSF function (≤0.1; BP4 not met). In summary, this variant meets the criteria to be classified as Benign for autosomal recessive limb girdle muscular dystrophy based on the ACMG/AMP criteria applied, as specified by the ClinGen LGMD VCEP (LGMD VCEP specifications version 2.0.0; 10/30/2025): BA1.

CeGaT Center for Human Genetics Tuebingen
Classification: Likely benign. Last evaluated: 2026-08-01. Review status: criteria provided, single submitter. Criteria: CeGaT Center For Human Genetics Tuebingen Variant Classification Criteria Version 2. Collection method: clinical testing. Allele origin: germline. Affected: yes. Observed: 19 variant alleles. Not counted in ClinVar's aggregate classification.
Comment: DYSF: BS2

Labcorp Genetics (formerly Invitae), Labcorp
Classification: Benign for Neuromuscular disease caused by qualitative or quantitative defects of dysferlin. Last evaluated: 2026-01-28. Review status: criteria provided, single submitter. Criteria: Invitae Variant Classification Sherloc (09022015). Collection method: clinical testing. Allele origin: germline. Not counted in ClinVar's aggregate classification.

Blueprint Genetics
Classification: Likely benign. Last evaluated: 2024-11-14. Review status: criteria provided, single submitter. Criteria: ACMG Guidelines, 2015. Collection method: clinical testing. Allele origin: germline. Not counted in ClinVar's aggregate classification.

Fulgent Genetics
Classification: Likely benign for Autosomal recessive limb-girdle muscular dystrophy type 2B; Miyoshi muscular dystrophy 1; Distal myopathy with anterior tibial onset. Last evaluated: 2022-04-27. Review status: criteria provided, single submitter. Criteria: ACMG Guidelines, 2015. Collection method: clinical testing. Allele origin: unknown. Not counted in ClinVar's aggregate classification.

Women's Health and Genetics/Laboratory Corporation of America, LabCorp
Classification: Benign. Last evaluated: 2022-03-04. Review status: criteria provided, single submitter. Criteria: LabCorp Variant Classification Summary - May 2015. Collection method: clinical testing. Allele origin: germline. Not counted in ClinVar's aggregate classification.
Comment: Variant summary: DYSF c.5626G>A (p.Asp1876Asn) results in a conservative amino acid change located in the C2 domain (IPR000008) of the encoded protein sequence. Three of five in-silico tools predict a damaging effect of the variant on protein function. The variant allele was found at a frequency of 0.004 in 251492 control chromosomes, predominantly at a frequency of 0.0087 within the South Asian subpopulation in the gnomAD database, including 6 homozygotes. The observed variant frequency within South Asian control individuals in the gnomAD database is approximately 3 fold of the estimated maximal expected allele frequency for a pathogenic variant in DYSF causing Limb-Girdle Muscular Dystrophy, Autosomal Recessive phenotype (0.0031), strongly suggesting that the variant is a benign polymorphism found primarily in populations of South Asian origin. Seven clinical diagnostic laboratories have submitted clinical-significance assessments for this variant to ClinVar after 2014 and classified the variant as benign (n=4) and likely benign (n=3). Based on the evidence outlined above, the variant was classified as benign.

Athena Diagnostics
Classification: Benign. Last evaluated: 2018-11-09. Review status: criteria provided, single submitter. Criteria: Athena Diagnostics Criteria. Collection method: clinical testing. Allele origin: germline. Not counted in ClinVar's aggregate classification.

GeneDx
Classification: Benign. Last evaluated: 2018-07-24. Review status: criteria provided, single submitter. Criteria: GeneDx Variant Classification Process June 2021. Collection method: clinical testing. Allele origin: germline. Affected: yes. Not counted in ClinVar's aggregate classification.
Comment: This variant is associated with the following publications: (PMID: 25525159, 21522182, 17897828, 22046204, 24838345)

Illumina Laboratory Services, Illumina
Classification: Likely benign for Qualitative or quantitative defects of dysferlin. Last evaluated: 2017-07-31. Review status: criteria provided, single submitter. Criteria: ICSL Variant Classification Criteria 13 December 2019. Collection method: clinical testing. Allele origin: germline. Not counted in ClinVar's aggregate classification.
Comment: This variant was observed as part of a predisposition screen in an ostensibly healthy population. A literature search was performed for the gene, cDNA change, and amino acid change (where applicable). Publications were found based on this search. The evidence from the literature, in combination with allele frequency data from public databases where available, was sufficient to determine this variant is unlikely to cause disease. Therefore, this variant is classified as likely benign.

Eurofins Ntd Llc (ga)
Classification: Benign. Last evaluated: 2017-06-22. Review status: criteria provided, single submitter. Criteria: EGL Classification Definitions 2015. Collection method: clinical testing. Allele origin: germline. Observed: 2 variant alleles, 2 heterozygotes. Not counted in ClinVar's aggregate classification.

Breakthrough Genomics
Classification: Likely benign. Review status: criteria provided, single submitter. Criteria: ACMG Guidelines, 2015. Collection method: not provided. Allele origin: germline. Inheritance: Autosomal recessive inheritance. Affected: yes. Not counted in ClinVar's aggregate classification.

Natera, Inc.
Classification: Likely benign for Limb-girdle muscular dystrophy type 2B. Last evaluated: 2019-11-15. Review status: no assertion criteria provided. Collection method: clinical testing. Allele origin: germline. Not counted in ClinVar's aggregate classification.

Clinical Genetics DNA and cytogenetics Diagnostics Lab, Erasmus MC, Erasmus Medical Center
Classification: Benign. Review status: no assertion criteria provided. Collection method: clinical testing. Allele origin: germline. Affected: yes. Study: VKGL Data-share Consensus. Not counted in ClinVar's aggregate classification.

Joint Genome Diagnostic Labs from Nijmegen and Maastricht, Radboudumc and MUMC+
Classification: Likely benign. Review status: no assertion criteria provided. Collection method: clinical testing. Allele origin: germline. Affected: yes. Study: VKGL Data-share Consensus. Not counted in ClinVar's aggregate classification.

Laboratory of Diagnostic Genome Analysis, Leiden University Medical Center (LUMC)
Classification: Likely benign. Review status: no assertion criteria provided. Collection method: clinical testing. Allele origin: germline. Affected: yes. Study: VKGL Data-share Consensus. Not counted in ClinVar's aggregate classification.

Literature cited by the submitters: PubMed 25525159 (cited by Athena Diagnostics); PubMed 22046204 (cited by Athena Diagnostics); PubMed 17512949 (cited by Athena Diagnostics and Illumina Laboratory Services, Illumina); PubMed 17897828 (cited by Athena Diagnostics and Illumina Laboratory Services, Illumina); PubMed 21522182 (cited by Athena Diagnostics and Illumina Laboratory Services, Illumina); PubMed 24838345 (cited by Athena Diagnostics and Illumina Laboratory Services, Illumina).